The following is an entry in ClinVar:

ClinVar aggregate classification (germline): Conflicting classifications of pathogenicity. Review status: criteria provided, conflicting classifications (1 of 4 stars). 5 submissions from 5 submitters: Uncertain significance (1); Likely benign (4). Last evaluated 2025-11-17.

Conditions:
Familial cancer of breast. Also called: BREAST CANCER, FAMILIAL; Hereditary breast cancer; hereditary breast carcinoma. Identifiers: Orphanet 227535, MedGen C0346153, MONDO:0016419, OMIM 114480. Disease mechanism: loss of function.
Ataxia-telangiectasia syndrome (AT). Also called: Ataxia-telangiectasia, complementation group E; LOUIS-BAR SYNDROME; Cerebello-oculocutaneous telangiectasia; Immunodeficiency with ataxia telangiectasia; ATAXIA-TELANGIECTASIA, COMPLEMENTATION GROUP A; ATAXIA-TELANGIECTASIA, FRESNO VARIANT. Identifiers: Orphanet 100, MedGen C0004135, MONDO:0008840, OMIM 208900.

Allele frequency attached by ClinVar (database versions not stated): gnomAD exomes below 0.00001; TOPMed 0.00001.
gnomAD v4.1: 4 of 1,612,966 alleles (0.00025%); highest among the groups gnomAD compares: African/African-American, 0.0013%; no homozygotes.

Submissions (5):

Labcorp Genetics (formerly Invitae), Labcorp
Classification: Likely benign for Ataxia-telangiectasia syndrome. Last evaluated: 2025-11-17. Review status: criteria provided, single submitter. Criteria: Invitae Variant Classification Sherloc (09022015). Collection method: clinical testing. Allele origin: germline.

Quest Diagnostics Nichols Institute San Juan Capistrano
Classification: Uncertain significance. Last evaluated: 2025-05-02. Review status: criteria provided, single submitter. Criteria: Quest Diagnostics criteria. Collection method: clinical testing. Allele origin: unknown.

Myriad Genetics, Inc.
Classification: Likely benign for Familial cancer of breast. Last evaluated: 2024-05-22. Review status: criteria provided, single submitter. Criteria: Myriad Autosomal Dominant, Autosomal Recessive and X-Linked Classification Criteria (2023). Collection method: clinical testing. Allele origin: unknown.
Comment: This variant is considered likely benign. This variant is intronic and is not expected to impact mRNA splicing.

Blueprint Genetics
Classification: Likely benign. Last evaluated: 2023-01-16. Review status: criteria provided, single submitter. Criteria: ACMG Guidelines, 2015. Collection method: clinical testing. Allele origin: germline.

GeneDx
Classification: Likely benign. Last evaluated: 2017-03-17. Review status: criteria provided, single submitter. Criteria: GeneDx Variant Classification (06012015). Collection method: clinical testing. Allele origin: germline. Affected: yes.
Comment: This variant is considered likely benign or benign based on one or more of the following criteria: it is a conservative change, it occurs at a poorly conserved position in the protein, it is predicted to be benign by multiple in silico algorithms, and/or has population frequency not consistent with disease.

NM_000051.4(ATM):c.5006-8A>G

Gene: ATM (ATM serine/threonine kinase; plus strand). Cytogenetic location: 11q22.3.
Variant type: single nucleotide variant.
Coding change: c.5006-8A>G on transcript NM_000051.4 (MANE Select); 8 bases into the intron before coding-DNA position 5006, A replaced by G.
Molecular consequence: intron variant.
Genome position (GRCh38, 1-based): chr11:108,299,706, A>G. VCF-style: chr11-108299706-A-G. GRCh37 (hg19) VCF-style: chr11-108170433-A-G.
Other names: c.5006-8A>G (NM_001351834.2).
Identifiers: ClinVar variation 378986 (VCV000378986.15), dbSNP rs1057520447, ClinGen allele CA16605807.